The following is an entry in ClinVar:

NM_170707.4(LMNA):c.1004G>A (p.Arg335Gln)

Gene: LMNA (lamin A/C; plus strand). Cytogenetic location: 1q22.
Variant type: single nucleotide variant.
Coding change: c.1004G>A on transcript NM_170707.4 (MANE Select); coding-DNA position 1004, G replaced by A.
Protein change: p.Arg335Gln; replaces arginine 335 with glutamine.
Molecular consequence: missense variant.
Genome position (GRCh38, 1-based): chr1:156,135,968, G>A. VCF-style: chr1-156135968-G-A. GRCh37 (hg19) VCF-style: chr1-156105759-G-A.
Other names: c.668G>A, p.Arg223Gln (NM_001257374.3); c.761G>A, p.Arg254Gln (NM_001282624.2); c.1004G>A, p.Arg335Gln (NM_001282625.2, NM_001282626.2, NM_005572.4 and 1 more transcripts); short protein forms R335Q, R223Q, R254Q.
Identifiers: ClinVar variation 246074 (VCV000246074.43), dbSNP rs138592977, ClinGen allele CA048759.

ClinVar aggregate classification (germline): Conflicting classifications of pathogenicity. Review status: criteria provided, conflicting classifications (1 of 4 stars). 14 submissions from 14 submitters: Likely pathogenic (2); Uncertain significance (10). 2 of the submissions do not count toward it. Last evaluated 2026-07-16.

Conditions:
Cardiovascular phenotype. Identifiers: MedGen CN230736.
Dehydrated hereditary stomatocytosis 2 (DHS2). Also called: XEROCYTOSIS GARDOS; DESICCYTOSIS GARDOS. Identifiers: Orphanet 3202, MedGen C4225242, MONDO:0014737, OMIM 616689.
LMNA-related disorder. Also called: LMNA-related condition; LMNA-related disease; LMNA-related disorders. Identifiers: MedGen CN380145.
Charcot-Marie-Tooth disease type 2. Also called: Charcot-Marie-Tooth type 2. Identifiers: Orphanet 64746, MedGen C0270914, MONDO:0018993.
Charcot-Marie-Tooth disease. Also called: Charcot-Marie-Tooth Neuropathy; Charcot-Marie-Tooth Hereditary Neuropathy. Identifiers: Orphanet 166, MedGen C0007959, MONDO:0015626.
Cardiomyopathy (CMYO). Also called: Cardiomyopathies. Identifiers: Orphanet 167848, MedGen C0878544, MONDO:0004994, HP:0001638. Inheritance: Various modes of inheritance.
Primary dilated cardiomyopathy (DCM). Also called: Dilated Cardiomyopathy. Identifiers: Orphanet 217604, MedGen C0007193, MeSH D002311, MONDO:0005021, HP:0001644. Inheritance: Various modes of inheritance.

Allele frequency attached by ClinVar (database versions not stated): gnomAD 0.00006; gnomAD exomes 0.00006; ESP Exome Variant Server 0.00008; TOPMed 0.00002; ExAC 0.00003.
gnomAD v4.1: 95 of 1,613,904 alleles (0.0059%); highest among the groups gnomAD compares: Non-Finnish European, 0.0058%; no homozygotes.

Submissions 1 to 9 of 14:

Ambry Genetics
Classification: Uncertain significance for Cardiovascular phenotype. Last evaluated: 2026-07-16. Review status: criteria provided, single submitter. Criteria: Ambry Variant Classification Scheme 2023. Collection method: clinical testing. Allele origin: germline.
Comment: The p.R335Q variant (also known as c.1004G>A), located in coding exon 6 of the LMNA gene, results from a G to A substitution at nucleotide position 1004. The arginine at codon 335 is replaced by glutamine, an amino acid with highly similar properties. This variant was reported in individual(s) with features consistent with LMNA-related laminopathy (Narula N et al. J. Am. Coll. Cardiol., 2012 Nov;60:1916-20; Dal Ferro M et al. Heart., 2017 Nov;103(21):1704-1710; Ditaranto R et al. Orphanet J Rare Dis. 2019 11;14(1):263; van Lint FHM et al. Neth Heart J. 2019 Jun;27(6):304-309; Ware SM et al. Am J Hum Genet, 2022 Feb;109:282-298; Vad OB et al. Eur J Hum Genet, 2026 Apr;:). This amino acid position is highly conserved in available vertebrate species. In addition, the in silico prediction for this alteration is inconclusive. Based on the available evidence, the clinical significance of this variant remains unclear.

PreventionGenetics, part of Exact Sciences
Classification: Uncertain significance for LMNA-related condition. Last evaluated: 2026-03-19. Review status: criteria provided, single submitter. Criteria: ACMG Guidelines, 2015. Collection method: clinical testing. Allele origin: germline.
Comment: The LMNA c.1004G>A variant is predicted to result in the amino acid substitution p.Arg335Gln. This variant has been reported in individuals with dilated cardiomyopathy; however, pathogenicity was not established (reported as p.Arg335Gln in Table S1, Narula et al. 2012. PubMed ID: 23062543; Table S1, Dal Ferro et al. 2017. PubMed ID: 28416588; Online Table 1, Gigli et al. 2019. PubMed ID: 31514951; van Lint et al. 2019. PubMed ID: 30847666; Ditaranto et al. 2019. PubMed ID: 31744510; Table S3, Hoorntje et al. 2017. PubMed ID: 28790152). The c.1004G>A variant was also reported in a large cohort study of dyslipidemia and metabolic disorders (Table S4, Dron et al. 2020. PubMed ID: 32041611). A different amino acid substitution at this position (p.Arg335Trp) has been reported in multiple individuals with dilated cardiomyopathy (Lakdawala et al 2012. PubMed ID: 22464770; Table S1B in Walsh R et al 2016. PubMed ID: 27532257; Sousa A et al 2019. PubMed ID: 30871747; Martins E et al 2019. PubMed ID: 31303467;  Zhang Y et al 2021. PubMed ID: 34808346). At PreventionGenetics, we have observed the p.Arg335Trp variant in two affected siblings with a similar complex phenotype including mandibuloracral dysplasia, distal shortening of fingers, and cardiomyopathy (Internal Data). Functional studies suggested that the p.Arg335Gln variant does not impact the normal protein functions (see Figure 2e and Supplementary Table 4, Anderson et al. 2021. PubMed ID: 34862408; Supplemental Figure 1, Yang et al. 2022. PubMed ID: 34975533). This variant is reported in 0.010% of alleles in individuals of East Asian descent in gnomAD. At this time, the clinical significance of the p.Arg335Gln variant is uncertain due to the absence of conclusive functional and genetic evidence.

GeneDx
Classification: Likely pathogenic. Last evaluated: 2025-10-15. Review status: criteria provided, single submitter. Criteria: GeneDx Variant Classification Process June 2021. Collection method: clinical testing. Allele origin: germline. Affected: yes.
Comment: Published functional studies demonstrate that cardiomyocytes harboring the p.R335Q variant have abnormal sarcomere architecture, increased ERK signaling, and deregulated Ca2+ signaling, while cardiac fibroblasts have decreased GJA1 expression, nuclear circularity, and migration rates (PMID: 34975533); In silico analysis supports that this missense variant has a deleterious effect on protein structure/function; This variant is associated with the following publications: (PMID: 28790152, 23062543, 31514951, 32041611, 34862408, 32413188, 34975533, 30847666, 28663758, 31744510, 28416588, 36396199, 10939567)

Molecular Diagnostic Laboratory for Inherited Cardiovascular Disease, Montreal Heart Institute
Classification: Uncertain significance for Cardiovascular phenotype. Last evaluated: 2025-04-09. Review status: criteria provided, single submitter. Criteria: ACMG Guidelines, 2015. Collection method: clinical testing. Allele origin: germline. Affected: yes.
Comment: PM5, PS3_supp, PS4_supp, PP2

Revvity Omics, Revvity
Classification: Uncertain significance. Last evaluated: 2025-03-21. Review status: criteria provided, single submitter. Criteria: ACMG Guidelines, 2015. Collection method: clinical testing. Allele origin: germline.

Color Diagnostics, LLC DBA Color Health
Classification: Uncertain significance for Cardiomyopathy. Last evaluated: 2025-01-20. Review status: criteria provided, single submitter. Criteria: ACMG Guidelines, 2015. Collection method: clinical testing. Allele origin: germline.
Comment: This missense variant replaces arginine with glutamine at codon 335 of the lamin A/C proteins. Computational prediction tool is inconclusive regarding the impact of this variant on protein structure and function. A functional study using induced pluripotent stem cells derived from cardiac fibroblasts from a carrier individual have shown that this variant causes evidence of nuclear deformity and lamin A/C aggregation at the nuclear periphery (PMID: 34975533); the clinical relevance of this observation is not known. This variant has been reported in individuals affected with dilated cardiomyopathy (PMID: 23062543, 28416588, 34975533) and in an individual affected with hypertrophic cardiomyopathy (PMID: 35026164). This variant has also been identified in 20/281664 chromosomes in the general population by the Genome Aggregation Database (gnomAD). A different variant affecting the same codon, p.Arg335Trp, is considered to be disease-causing (ClinVar variation ID: 36473), suggesting that glutamine at this position is important for LMNA protein function. However, due to the observations in the general population and limited reports of affected carriers, the available evidence is insufficient to determine the role of this variant in disease conclusively. Therefore, this variant is classified as a Variant of Uncertain Significance.

Labcorp Genetics (formerly Invitae), Labcorp
Classification: Uncertain significance for Charcot-Marie-Tooth disease type 2. Last evaluated: 2024-10-18. Review status: criteria provided, single submitter. Criteria: Invitae Variant Classification Sherloc (09022015). Collection method: clinical testing. Allele origin: germline.
Comment: This sequence change replaces arginine, which is basic and polar, with glutamine, which is neutral and polar, at codon 335 of the LMNA protein (p.Arg335Gln). This variant is present in population databases (rs138592977, gnomAD 0.01%). This missense change has been observed in individual(s) with dilated cardiomyopathy (PMID: 23062543, 28416588, 28790152, 34975533). ClinVar contains an entry for this variant (Variation ID: 246074). Invitae Evidence Modeling of protein sequence and biophysical properties (such as structural, functional, and spatial information, amino acid conservation, physicochemical variation, residue mobility, and thermodynamic stability) indicates that this missense variant is expected to disrupt LMNA protein function with a positive predictive value of 95%. Experimental studies are conflicting or provide insufficient evidence to determine the effect of this variant on LMNA function (PMID: 34862408, 34975533). In summary, the available evidence is currently insufficient to determine the role of this variant in disease. Therefore, it has been classified as a Variant of Uncertain Significance.

Johns Hopkins Genomics, Johns Hopkins University
Classification: Likely pathogenic for Dehydrated hereditary stomatocytosis 2. Last evaluated: 2024-10-10. Review status: criteria provided, single submitter. Criteria: ACMG Guidelines, 2015. Collection method: clinical testing. Allele origin: germline.
Comment: This LMNA variant (rs138592977) is rare (<0.1%) in a large population dataset (gnomADv2.1.1: 20/281664 total alleles; MAF 0.007%; no homozygotes) and has been reported in ClinVar. This variant has been reported in the literature in unrelated individuals affected with dilated cardiomyopathy. A different missense variant at this codon (p.Arg335Trp) is considered to be pathogenic, suggesting that arginine at this amino acid position is important for the protein function. Experimental studies using patient-specific induced pluripotent stem cell (iPSC) lines support an effect of this variant (p.Arg335Gln) on LMNA function in IPSC-derived cardiomyocytes (iCMs) and cardiac fibroblasts (iCFs). We consider c.1004G>A to be likely pathogenic for autosomal dominant dilated cardiomyopathy-1A.

Blueprint Genetics
Classification: Uncertain significance. Last evaluated: 2024-04-10. Review status: criteria provided, single submitter. Criteria: ACMG Guidelines, 2015. Collection method: clinical testing. Allele origin: germline.